The following is an entry in ClinVar:

NM_014339.7(IL17RA):c.1970G>A (p.Arg657Gln)

Gene: IL17RA (interleukin 17 receptor A; plus strand). Cytogenetic location: 22q11.1.
Variant type: single nucleotide variant.
Coding change: c.1970G>A on transcript NM_014339.7 (MANE Select); coding-DNA position 1970, G replaced by A.
Protein change: p.Arg657Gln; replaces arginine 657 with glutamine.
Molecular consequence: missense variant.
Genome position (GRCh38, 1-based): chr22:17,109,189, G>A. VCF-style: chr22-17109189-G-A. GRCh37 (hg19) VCF-style: chr22-17590079-G-A.
Other names: c.1868G>A, p.Arg623Gln (NM_001289905.2); short protein forms R623Q, R657Q.
Identifiers: ClinVar variation 1017106 (VCV001017106.6), dbSNP rs1341181529, ClinGen allele CA410219811.
Genomic context (GRCh38, chr22:17,109,189, plus strand): 5'-CGCTGGTCGGGGAGGAAGGAGGAGCAGCAGTGGCAAAGCTGGAACCTCACCTGCAGCCCC[G>A]GGGTCAGCCAGCGCCGCAGCCCCTCCACACCCTGGTGCTCGCCGCAGAGGAGGGGGCCCT-3'
Protein context (NP_055154.3, residues 647-667): VAKLEPHLQP[Arg657Gln]GQPAPQPLHT

ClinVar aggregate classification (germline): Uncertain significance (1 of 4 stars; one submission).

Conditions:
Immunodeficiency 51 (IMD51). Also called: CANDIDIASIS, FAMILIAL, 5. Identifiers: Orphanet 1334, MedGen C4310803, MONDO:0013500, OMIM 613953.

Allele frequency attached by ClinVar (database versions not stated): gnomAD 0.00001; gnomAD exomes 0.00001; TOPMed 0.00002.
gnomAD v4.1: 9 of 1,518,974 alleles (0.00059%); highest among the groups gnomAD compares: Middle Eastern, 0.069%; no homozygotes.

Submission:

Labcorp Genetics (formerly Invitae), Labcorp
Classification: Uncertain significance for Immunodeficiency 51. Last evaluated: 2021-09-08. Review status: criteria provided, single submitter. Criteria: Invitae Variant Classification Sherloc (09022015). Collection method: clinical testing. Allele origin: germline.
Comment: This sequence change replaces arginine with glutamine at codon 657 of the IL17RA protein (p.Arg657Gln). The arginine residue is weakly conserved and there is a small physicochemical difference between arginine and glutamine. The frequency data for this variant in the population databases is considered unreliable, as metrics indicate insufficient coverage at this position in the ExAC database. This variant has not been reported in the literature in individuals affected with IL17RA-related conditions. Algorithms developed to predict the effect of missense changes on protein structure and function output the following: SIFT: "Tolerated"; PolyPhen-2: "Benign"; Align-GVGD: "Class C0". The glutamine amino acid residue is found in multiple mammalian species, which suggests that this missense change does not adversely affect protein function. In summary, the available evidence is currently insufficient to determine the role of this variant in disease. Therefore, it has been classified as a Variant of Uncertain Significance.